The following is an entry in ClinVar:

NM_004183.4(BEST1):c.236C>A (p.Ser79Tyr)

Gene: BEST1 (bestrophin 1; plus strand). Cytogenetic location: 11q12.3.
Variant type: single nucleotide variant.
Coding change: c.236C>A on transcript NM_004183.4 (MANE Select); coding-DNA position 236, C replaced by A.
Protein change: p.Ser79Tyr; replaces serine 79 with tyrosine.
Molecular consequence: missense variant. On other transcripts: non-coding transcript variant (1).
Genome position (GRCh38, 1-based): chr11:61,955,190, C>A. VCF-style: chr11-61955190-C-A. GRCh37 (hg19) VCF-style: chr11-61722662-C-A.
Other names: c.56C>A, p.Ser19Tyr (NM_001139443.3, NM_001300786.2, NM_001300787.2); c.236C>A, p.Ser79Tyr (NM_001363592.2); short protein forms S19Y, S79Y.
Identifiers: ClinVar variation 3234794 (VCV003234794.19), dbSNP rs2541354500, ClinGen allele CA380833817.

ClinVar aggregate classification (germline): Uncertain significance (1 of 4 stars; one submission).

Submission:

CeGaT Center for Human Genetics Tuebingen
Classification: Uncertain significance. Last evaluated: 2024-04-01. Review status: criteria provided, single submitter. Criteria: CeGaT Center For Human Genetics Tuebingen Variant Classification Criteria Version 2. Collection method: clinical testing. Allele origin: germline. Affected: yes. Observed: 1 variant allele.
Comment: BEST1: PM2, PP3